The following is an entry in ClinVar:

NM_000301.5(PLG):c.991A>G (p.Arg331Gly)

Gene: PLG (plasminogen; plus strand). Cytogenetic location: 6q26.
Variant type: single nucleotide variant.
Coding change: c.991A>G on transcript NM_000301.5 (MANE Select); coding-DNA position 991, A replaced by G.
Protein change: p.Arg331Gly; replaces arginine 331 with glycine.
Molecular consequence: missense variant.
Genome position (GRCh38, 1-based): chr6:160,718,733, A>G. VCF-style: chr6-160718733-A-G. GRCh37 (hg19) VCF-style: chr6-161139765-A-G.
Other names: short protein forms R331G.
Identifiers: ClinVar variation 2855703 (VCV002855703.3), dbSNP rs2484348960, ClinGen allele CA366362931.
Genomic context (GRCh38, chr6:160,718,733, plus strand): 5'-CACAATCACTTCTTTTTCAGAAATTTGGATGAAAACTACTGCCGCAATCCTGACGGAAAA[A>G]GGGCCCCATGGTGCCATACAACCAACAGCCAAGTGCGGTGGGAGTACTGTAAGATACCGT-3'
Protein context (NP_000292.1, residues 321-341): ENYCRNPDGK[Arg331Gly]APWCHTTNSQ

ClinVar aggregate classification (germline): Uncertain significance (1 of 4 stars; one submission).

Allele frequency attached by ClinVar (database versions not stated): gnomAD exomes below 0.00001.
gnomAD v4.1: 1 of 1,613,044 alleles (0.000062%); highest among the groups gnomAD compares: Non-Finnish European, 0.000085%; no homozygotes.

Submission:

Labcorp Genetics (formerly Invitae), Labcorp
Classification: Uncertain significance. Last evaluated: 2023-04-12. Review status: criteria provided, single submitter. Criteria: Invitae Variant Classification Sherloc (09022015). Collection method: clinical testing. Allele origin: germline.
Comment: This variant is not present in population databases (gnomAD no frequency). This sequence change replaces arginine, which is basic and polar, with glycine, which is neutral and non-polar, at codon 331 of the PLG protein (p.Arg331Gly). This variant has not been reported in the literature in individuals affected with PLG-related conditions. In summary, the available evidence is currently insufficient to determine the role of this variant in disease. Therefore, it has been classified as a Variant of Uncertain Significance. Advanced modeling of protein sequence and biophysical properties (such as structural, functional, and spatial information, amino acid conservation, physicochemical variation, residue mobility, and thermodynamic stability) performed at Invitae indicates that this missense variant is not expected to disrupt PLG protein function.